The following is an entry in ClinVar:

NM_000053.4(ATP7B):c.3127C>A (p.Leu1043Ile)

Gene: ATP7B (ATPase copper transporting beta; minus strand). Cytogenetic location: 13q14.3.
Variant type: single nucleotide variant.
Coding change: c.3127C>A on transcript NM_000053.4 (MANE Select); coding-DNA position 3127, C replaced by A.
Protein change: p.Leu1043Ile; replaces leucine 1043 with isoleucine.
Molecular consequence: missense variant. On other transcripts: intron variant (1).
Genome position (GRCh38, 1-based): chr13:51,944,225, G>T on the plus strand (C>A on the coding strand, the complement: ATP7B is on the minus strand). VCF-style: chr13-51944225-G-T. GRCh37 (hg19) VCF-style: chr13-52518361-G-T.
Other names: c.2506C>A, p.Leu836Ile (NM_001005918.3); c.2794C>A, p.Leu932Ile (NM_001243182.2); c.2893C>A, p.Leu965Ile (NM_001330578.2, NM_001406527.1, NM_001406528.1 and 1 more transcripts); c.2875C>A, p.Leu959Ile (NM_001330579.2, NM_001406531.1, NM_001406532.1); c.3127C>A, p.Leu1043Ile (NM_001406511.1, NM_001406512.1, NM_001406526.1); c.3121C>A, p.Leu1041Ile (NM_001406513.1); c.3094C>A, p.Leu1032Ile (NM_001406514.1); c.3073C>A, p.Leu1025Ile (NM_001406515.1, NM_001406516.1); and 19 more; short protein forms L1011I, L1025I, L1032I, L1041I, L1043I, L613I, L762I, L816I.
Identifiers: ClinVar variation 4686214 (VCV004686214.1).
Genomic context (GRCh38, chr13:51,944,225, plus strand): 5'-CAGTCCCCACCACAGCCAGAACCTTCCTGAGGGGCAGTGTGGCCACATCCCCCAGCAGGA[G>T]CACCCGCATGACCCTGGGGACGCCATGGGTAATGGTGCCAGTCTTGTCAAACATCACAGT-3'
Protein context (NP_000044.2, residues 1033-1053): THGVPRVMRV[Leu1043Ile]LLGDVATLPL

ClinVar aggregate classification (germline): Uncertain significance (1 of 4 stars; one submission).

Submission:

GeneDx
Classification: Uncertain significance. Last evaluated: 2025-07-14. Review status: criteria provided, single submitter. Criteria: GeneDx Variant Classification Process June 2021. Collection method: clinical testing. Allele origin: germline. Affected: yes.
Comment: Not observed at significant frequency in large population cohorts (gnomAD); In silico analysis suggests that this missense variant does not alter protein structure/function; Has not been previously published as pathogenic or benign to our knowledge